The following is an entry in ClinVar:

ClinVar aggregate classification (germline): Uncertain significance (1 of 4 stars; one submission).

Conditions:
Hereditary cancer-predisposing syndrome. Also called: Tumor predisposition; Hereditary Cancer Syndrome; Neoplastic Syndromes, Hereditary; Hereditary neoplastic syndrome. Identifiers: Orphanet 140162, MedGen C0027672, MeSH D009386, MONDO:0015356.

Submission:

Ambry Genetics
Classification: Uncertain significance for Hereditary cancer-predisposing syndrome. Last evaluated: 2020-02-06. Review status: criteria provided, single submitter. Criteria: Ambry Variant Classification Scheme 2023. Collection method: clinical testing. Allele origin: germline.
Comment: The p.S89P variant (also known as c.265T>C), located in coding exon 3 of the SDHD gene, results from a T to C substitution at nucleotide position 265. The serine at codon 89 is replaced by proline, an amino acid with similar properties. This amino acid position is not well conserved in available vertebrate species, and proline is the reference amino acid in other vertebrate species. In addition, the in silico prediction for this alteration is inconclusive. Since supporting evidence is limited at this time, the clinical significance of this alteration remains unclear.

NM_003002.4(SDHD):c.265T>C (p.Ser89Pro)

Gene: SDHD (succinate dehydrogenase complex subunit D; plus strand). Cytogenetic location: 11q23.1.
Variant type: single nucleotide variant.
Coding change: c.265T>C on transcript NM_003002.4 (MANE Select); coding-DNA position 265, T replaced by C.
Protein change: p.Ser89Pro; replaces serine 89 with proline.
Molecular consequence: missense variant. On other transcripts: non-coding transcript variant (1), intron variant (1).
Genome position (GRCh38, 1-based): chr11:112,088,962, T>C. VCF-style: chr11-112088962-T-C. GRCh37 (hg19) VCF-style: chr11-111959686-T-C.
Other names: c.148T>C, p.Ser50Pro (NM_001276504.2); c.265T>C, p.Ser89Pro (NM_001276506.2); c.169+989T>C (NM_001276503.2); short protein forms S50P, S89P.
Identifiers: ClinVar variation 1794439 (VCV001794439.2), dbSNP rs2498905128, ClinGen allele CA382617342.
Genomic context (GRCh38, chr11:112,088,962, plus strand): 5'-GAGAGGGTTGTCAGTGTTTTGCTCCTGGGTCTGCTTCCGGCTGCTTATTTGAATCCTTGC[T>C]CTGCGATGGACTATTCCCTGGCTGCAGCCCTCACTCTTCATGGTCACTGGCAAGTATAGC-3'
Protein context (NP_002993.1, residues 79-99): LLPAAYLNPC[Ser89Pro]AMDYSLAAAL